The following is an entry in ClinVar:

ClinVar aggregate classification (germline): Uncertain significance. Review status: criteria provided, multiple submitters, no conflicts (2 of 4 stars). 2 submissions from 2 submitters: Uncertain significance (2). Last evaluated 2024-07-10.

Conditions:
Cerebral folate transport deficiency. Also called: NEURODEGENERATION DUE TO CEREBRAL FOLATE TRANSPORT DEFICIENCY; FOLR1-Related Cerebral Folate Transport Deficiency; Neurodegenerative syndrome due to cerebral folate transport deficiency; FOLATE RECEPTOR DEFICIENCY; Cerebral folate deficiency syndrome. Identifiers: Orphanet 217382, MedGen C2751584, MONDO:0013110, OMIM 613068. Disease mechanism: loss of function.

Allele frequency attached by ClinVar (database versions not stated): gnomAD exomes 0.00001.
gnomAD v4.1: 6 of 1,614,230 alleles (0.00037%); highest among the groups gnomAD compares: Admixed American, 0.0017%; no homozygotes.

Submissions (2):

Women's Health and Genetics/Laboratory Corporation of America, LabCorp
Classification: Uncertain significance. Last evaluated: 2024-07-10. Review status: criteria provided, single submitter. Criteria: LabCorp Variant Classification Summary - May 2015. Collection method: clinical testing. Allele origin: germline.
Comment: Variant summary: FOLR1 c.374G>A (p.Arg125His) results in a non-conservative amino acid change located in the Folate receptor-like domain (IPR018143) of the encoded protein sequence. Five of five in-silico tools predict a damaging effect of the variant on protein function. The variant allele was found at a frequency of 1.2e-05 in 251466 control chromosomes (gnomAD). The available data on variant occurrences in the general population are insufficient to allow any conclusion about variant significance. To our knowledge, no occurrence of c.374G>A in individuals affected with Cerebral folate transport deficiency and no experimental evidence demonstrating its impact on protein function have been reported. ClinVar contains an entry for this variant (Variation ID: 1506061). Based on the evidence outlined above, the variant was classified as uncertain significance.

Labcorp Genetics (formerly Invitae), Labcorp
Classification: Uncertain significance for Cerebral folate transport deficiency. Last evaluated: 2022-06-20. Review status: criteria provided, single submitter. Criteria: Invitae Variant Classification Sherloc (09022015). Collection method: clinical testing. Allele origin: germline.
Comment: This sequence change replaces arginine, which is basic and polar, with histidine, which is basic and polar, at codon 125 of the FOLR1 protein (p.Arg125His). This variant is present in population databases (no rsID available, gnomAD 0.003%). This variant has not been reported in the literature in individuals affected with FOLR1-related conditions. Algorithms developed to predict the effect of missense changes on protein structure and function are either unavailable or do not agree on the potential impact of this missense change (SIFT: "Deleterious"; PolyPhen-2: "Possibly Damaging"; Align-GVGD: "Class C0"). This variant disrupts the p.Arg125 amino acid residue in FOLR1. Other variant(s) that disrupt this residue have been observed in individuals with FOLR1-related conditions (PMID: 24091540, 27328863), which suggests that this may be a clinically significant amino acid residue. In summary, the available evidence is currently insufficient to determine the role of this variant in disease. Therefore, it has been classified as a Variant of Uncertain Significance.

Literature cited by the submitters: PubMed 24091540 (cited by Labcorp Genetics (formerly Invitae), Labcorp); PubMed 27328863 (cited by Labcorp Genetics (formerly Invitae), Labcorp).

NM_016729.3(FOLR1):c.374G>A (p.Arg125His)

Genes: FOLR1 (folate receptor alpha; plus strand), FOLR1-AS1 (FOLR1 antisense RNA 1; minus strand). Cytogenetic location: 11q13.4.
Variant type: single nucleotide variant.
Coding change: c.374G>A on transcript NM_016729.3 (MANE Select); coding-DNA position 374, G replaced by A.
Protein change: p.Arg125His; replaces arginine 125 with histidine.
Molecular consequence: missense variant.
Genome position (GRCh38, 1-based): chr11:72,195,628, G>A. VCF-style: chr11-72195628-G-A. GRCh37 (hg19) VCF-style: chr11-71906672-G-A.
Other names: c.374G>A, p.Arg125His (NM_000802.3, NM_016724.3, NM_016725.3); short protein forms R125H.
Identifiers: ClinVar variation 1506061 (VCV001506061.6), dbSNP rs1202769307, ClinGen allele CA381733037.